The following is an entry in ClinVar:

NM_032383.5(HPS3):c.2325_2326del (p.Gln776fs)

Genes: CP (ceruloplasmin; minus strand), HPS3 (HPS3 biogenesis of lysosomal organelles complex 2 subunit 1; plus strand). Cytogenetic location: 3q24.
Variant type: Deletion.
Coding change: c.2325_2326del on transcript NM_032383.5 (MANE Select); coding-DNA positions 2325 to 2326, 2 bases deleted (TC; older notation c.2325_2326delTC).
Protein change: p.Gln776fs; shifts the reading frame from glutamine 776.
Molecular consequence: frameshift variant. On other transcripts: non-coding transcript variant (1).
Genome position (GRCh38, 1-based): chr3:149,162,722-149,162,723, TC deleted; deleting any 2 consecutive bases within chr3:149,162,721-149,162,723 gives the same sequence; the c. name uses the placement nearest the transcript's 3' end. VCF-style (leftmost placement, unchanged base first): chr3-149162720-CCT-C. GRCh37 (hg19) VCF-style: chr3-148880507-CCT-C.
Other names: c.1830_1831del, p.Gln611fs (NM_001308258.2); short protein forms Q611fs, Q776fs.
Identifiers: ClinVar variation 5010566 (VCV005010566.1).

ClinVar aggregate classification (germline): Pathogenic (1 of 4 stars; one submission).

Conditions:
Hermansky-Pudlak syndrome 3 (HPS3). Identifiers: Orphanet 231512, Orphanet 79430, MedGen C3888001, MONDO:0013555, OMIM 614072.

Submission:

Myriad Genetics, Inc.
Classification: Pathogenic for Hermansky-Pudlak syndrome 3. Last evaluated: 2024-05-14. Review status: criteria provided, single submitter. Criteria: Myriad Autosomal Dominant, Autosomal Recessive and X-Linked Classification Criteria (2023). Collection method: clinical testing. Allele origin: unknown.
Comment: NM_032383.3(HPS3):c.2325_2326delTC(Q776Afs*36) is expected to be pathogenic in the context of Hermansky-Pudlak syndrome, HPS3-related. This variant is predicted to lead to an abnormal or absent protein product due to the creation of a premature termination codon in HPS3, a gene where loss-of-function variants are known to be pathogenic. Please note: this variant was assessed in the context of healthy population screening.